The following is an entry in ClinVar:

ClinVar aggregate classification (germline): Likely benign. Review status: criteria provided, multiple submitters, no conflicts (2 of 4 stars). 3 submissions from 3 submitters: Likely benign (3). Last evaluated 2026-09-01.

Conditions:
Exostoses, multiple, type 2 (EXT2). Also called: EXOSTOSES, MULTIPLE, TYPE II; Hereditary Multiple Osteochondromatosis, Type II. Identifiers: Orphanet 321, MedGen C1851413, MONDO:0007586, OMIM 133701.

Allele frequency attached by ClinVar (database versions not stated): 1000 Genomes Project 0.00200; 1000 Genomes Project 30x 0.00234; gnomAD 0.00332; TOPMed 0.00345; gnomAD exomes 0.00459.
gnomAD v4.1: 6,004 of 1,352,236 alleles (0.44%); highest among the groups gnomAD compares: Middle Eastern, 0.87%; 25 homozygotes.

Submissions (3):

CeGaT Center for Human Genetics Tuebingen
Classification: Likely benign. Last evaluated: 2026-09-01. Review status: criteria provided, single submitter. Criteria: CeGaT Center For Human Genetics Tuebingen Variant Classification Criteria Version 2. Collection method: clinical testing. Allele origin: germline. Affected: yes. Observed: 7 variant alleles.
Comment: EXT2: BS2

Illumina Laboratory Services, Illumina
Classification: Likely benign for Exostoses, multiple, type 2. Last evaluated: 2017-04-27. Review status: criteria provided, single submitter. Criteria: ICSL Variant Classification Criteria 13 December 2019. Collection method: clinical testing. Allele origin: germline.
Comment: This variant was observed as part of a predisposition screen in an ostensibly healthy population. A literature search was performed for the gene, cDNA change, and amino acid change (where applicable). Publications were found based on this search. The evidence from the literature, in combination with allele frequency data from public databases where available, was sufficient to determine this variant is unlikely to cause disease. Therefore, this variant is classified as likely benign.

Breakthrough Genomics
Classification: Likely benign. Review status: criteria provided, single submitter. Criteria: ACMG Guidelines, 2015. Collection method: not provided. Allele origin: germline. Inheritance: Autosomal recessive inheritance. Affected: yes.

Literature cited by the submitters: PubMed 17301954 (cited by Illumina Laboratory Services, Illumina).

NM_207122.2(EXT2):c.*101G>C

Gene: EXT2 (exostosin glycosyltransferase 2; plus strand). Cytogenetic location: 11p11.2.
Variant type: single nucleotide variant.
Coding change: c.*101G>C on transcript NM_207122.2 (MANE Select); 101 bases downstream of the stop codon, G replaced by C.
Molecular consequence: 3 prime UTR variant.
Genome position (GRCh38, 1-based): chr11:44,244,388, G>C. VCF-style: chr11-44244388-G-C. GRCh37 (hg19) VCF-style: chr11-44265938-G-C.
Other names: c.*101G>C (NM_000401.3, NM_001178083.3, NM_001389628.1 and 1 more transcripts).
Identifiers: ClinVar variation 304597 (VCV000304597.12), dbSNP rs117755165, ClinGen allele CA10634850.
Genomic context (GRCh38, chr11:44,244,388, plus strand): 5'-GAGGGAGAGAACAAGGCCTCCCAGCACTCTGATGTCAGAGTAGTAGGTTAAGGGTGGAAG[G>C]TTGACCTACTTGGATCTTGGCATGCACCCACCTAACCCACTTTCTCAAGAACAAGAACCT-3'